The following is an entry in ClinVar:

ClinVar aggregate classification (germline): Uncertain significance (1 of 4 stars; one submission).

Submission:

Ambry Genetics
Classification: Uncertain significance. Last evaluated: 2023-06-06. Review status: criteria provided, single submitter. Criteria: Ambry Variant Classification Scheme 2023. Collection method: clinical testing. Allele origin: germline.
Comment: The p.S1702C variant (also known as c.5105C>G), located in coding exon 44 of the KIF1B gene, results from a C to G substitution at nucleotide position 5105. The serine at codon 1702 is replaced by cysteine, an amino acid with dissimilar properties. This amino acid position is highly conserved in available vertebrate species. In addition, the in silico prediction for this alteration is inconclusive. The evidence for this gene-disease relationship is limited; therefore, the clinical significance of this alteration is unclear.

NM_001365951.3(KIF1B):c.5243C>G (p.Ser1748Cys)

Gene: KIF1B (kinesin family member 1B; plus strand). Cytogenetic location: 1p36.22.
Variant type: single nucleotide variant.
Coding change: c.5243C>G on transcript NM_001365951.3 (MANE Select); coding-DNA position 5243, C replaced by G.
Protein change: p.Ser1748Cys; replaces serine 1748 with cysteine.
Molecular consequence: missense variant.
Genome position (GRCh38, 1-based): chr1:10,375,000, C>G. VCF-style: chr1-10375000-C-G. GRCh37 (hg19) VCF-style: chr1-10435058-C-G.
Other names: c.5243C>G, p.Ser1748Cys (NM_001365952.1); c.5105C>G, p.Ser1702Cys (NM_015074.3); short protein forms S1748C, S1702C.
Identifiers: ClinVar variation 2561711 (VCV002561711.2), dbSNP rs988800188, ClinGen allele CA17856408.